The following is an entry in ClinVar:

ClinVar aggregate classification (germline): Benign/Likely benign. Review status: criteria provided, multiple submitters, no conflicts (2 of 4 stars). 3 submissions from 3 submitters: Benign (1); Likely benign (2). Last evaluated 2024-05-10.

Conditions:
Hereditary cancer-predisposing syndrome. Also called: Neoplastic Syndromes, Hereditary; Tumor predisposition; Hereditary neoplastic syndrome; Hereditary Cancer Syndrome. Identifiers: Orphanet 140162, MedGen C0027672, MeSH D009386, MONDO:0015356.
Familial cancer of breast. Also called: BREAST CANCER, FAMILIAL; hereditary breast carcinoma; Hereditary breast cancer. Identifiers: Orphanet 227535, MedGen C0346153, MONDO:0016419, OMIM 114480. Disease mechanism: loss of function.
Ataxia-telangiectasia syndrome (AT). Also called: Ataxia-telangiectasia, complementation group D; AT, COMPLEMENTATION GROUP C; ATAXIA-TELANGIECTASIA, COMPLEMENTATION GROUP A; ATAXIA-TELANGIECTASIA, FRESNO VARIANT; Ataxia-telangiectasia; LOUIS-BAR SYNDROME. Identifiers: Orphanet 100, MedGen C0004135, MONDO:0008840, OMIM 208900.

Submissions (3):

Myriad Genetics, Inc.
Classification: Benign for Familial cancer of breast. Last evaluated: 2024-05-10. Review status: criteria provided, single submitter. Criteria: Myriad Autosomal Dominant, Autosomal Recessive and X-Linked Classification Criteria (2023). Collection method: clinical testing. Allele origin: unknown.
Comment: This variant is considered benign. This variant is a silent/synonymous amino acid change and it is not expected to impact splicing.

Labcorp Genetics (formerly Invitae), Labcorp
Classification: Likely benign for Ataxia-telangiectasia syndrome. Last evaluated: 2023-05-19. Review status: criteria provided, single submitter. Criteria: Invitae Variant Classification Sherloc (09022015). Collection method: clinical testing. Allele origin: germline.

Ambry Genetics
Classification: Likely benign for Hereditary cancer-predisposing syndrome. Last evaluated: 2019-12-20. Review status: criteria provided, single submitter. Criteria: Ambry Variant Classification Scheme 2023. Collection method: clinical testing. Allele origin: germline.

NM_000051.4(ATM):c.2745T>G (p.Thr915=)

Gene: ATM (ATM serine/threonine kinase; plus strand). Cytogenetic location: 11q22.3.
Variant type: single nucleotide variant.
Coding change: c.2745T>G on transcript NM_000051.4 (MANE Select); coding-DNA position 2745, T replaced by G.
Protein change: p.Thr915=; no amino-acid change (threonine 915 retained).
Molecular consequence: synonymous variant.
Genome position (GRCh38, 1-based): chr11:108,268,516, T>G. VCF-style: chr11-108268516-T-G. GRCh37 (hg19) VCF-style: chr11-108139243-T-G.
Other names: c.2745T>G, p.Thr915= (NM_001351834.2).
Identifiers: ClinVar variation 1795485 (VCV001795485.6), dbSNP rs2135525290, ClinGen allele CA476673904.